The following is an entry in ClinVar:

NM_001378452.1(ITPR1):c.3589T>G (p.Cys1197Gly)

Gene: ITPR1 (inositol 1,4,5-trisphosphate receptor type 1; plus strand). Cytogenetic location: 3p26.1.
Variant type: single nucleotide variant.
Coding change: c.3589T>G on transcript NM_001378452.1 (MANE Select); coding-DNA position 3589, T replaced by G.
Protein change: p.Cys1197Gly; replaces cysteine 1197 with glycine.
Molecular consequence: missense variant.
Genome position (GRCh38, 1-based): chr3:4,685,093, T>G. VCF-style: chr3-4685093-T-G. GRCh37 (hg19) VCF-style: chr3-4726777-T-G.
Other names: c.3517T>G, p.Cys1173Gly (NM_002222.7); c.3562T>G, p.Cys1188Gly (NM_001099952.4); c.3544T>G, p.Cys1182Gly (NM_001168272.2); short protein forms C1173G, C1182G, C1188G, C1197G.
Identifiers: ClinVar variation 1720013 (VCV001720013.5), dbSNP rs2469800341, ClinGen allele CA351651492.

ClinVar aggregate classification (germline): Uncertain significance (1 of 4 stars; one submission).

Submission:

Labcorp Genetics (formerly Invitae), Labcorp
Classification: Uncertain significance. Last evaluated: 2024-06-24. Review status: criteria provided, single submitter. Criteria: Invitae Variant Classification Sherloc (09022015). Collection method: clinical testing. Allele origin: germline.
Comment: This sequence change replaces cysteine, which is neutral and slightly polar, with glycine, which is neutral and non-polar, at codon 1173 of the ITPR1 protein (p.Cys1173Gly). This variant is not present in population databases (gnomAD no frequency). This variant has not been reported in the literature in individuals affected with ITPR1-related conditions. ClinVar contains an entry for this variant (Variation ID: 1720013). Advanced modeling of protein sequence and biophysical properties (such as structural, functional, and spatial information, amino acid conservation, physicochemical variation, residue mobility, and thermodynamic stability) performed at Invitae indicates that this missense variant is expected to disrupt ITPR1 protein function with a positive predictive value of 95%. In summary, the available evidence is currently insufficient to determine the role of this variant in disease. Therefore, it has been classified as a Variant of Uncertain Significance.